The following is an entry in ClinVar:

NM_024529.5(CDC73):c.*1267A>G

Gene: CDC73 (cell division cycle 73; plus strand). Cytogenetic location: 1q31.2.
Variant type: single nucleotide variant.
Coding change: c.*1267A>G on transcript NM_024529.5 (MANE Select); 1267 bases downstream of the stop codon, A replaced by G.
Molecular consequence: 3 prime UTR variant.
Genome position (GRCh38, 1-based): chr1:193,251,979, A>G. VCF-style: chr1-193251979-A-G. GRCh37 (hg19) VCF-style: chr1-193221109-A-G.
Identifiers: ClinVar variation 294432 (VCV000294432.7), dbSNP rs78218016, ClinGen allele CA10609155.

ClinVar aggregate classification (germline): Benign/Likely benign. Review status: criteria provided, multiple submitters, no conflicts (2 of 4 stars). 5 submissions from 3 submitters: Benign (2); Likely benign (3). Last evaluated 2021-05-22.

Conditions:
Hyperparathyroidism 2 with jaw tumors. Also called: Hyperparathyroidism 2; HYPERPARATHYROIDISM, FAMILIAL PRIMARY, WITH MULTIPLE OSSIFYING JAW FIBROMAS; HYPERPARATHYROIDISM-JAW TUMOR SYNDROME, HEREDITARY; Hyperparathyroidism-Jaw Tumor Syndrome. Identifiers: Orphanet 99880, MedGen C1704981, MONDO:0007768, OMIM 145001.
Parathyroid carcinoma (PRTC). Also called: Parathyroid gland carcinoma; CDC73-Related Parathyroid Carcinoma. Identifiers: Orphanet 143, MedGen C0687150, MONDO:0012004, OMIM 608266, HP:0006780.
Hyperparathyroidism 1 (HRPT1). Also called: HYPERPARATHYROIDISM, FAMILIAL ISOLATED PRIMARY. Identifiers: Orphanet 99879, MedGen C1840402, MONDO:0007767, OMIM 145000.

Allele frequency attached by ClinVar (database versions not stated): 1000 Genomes Project 30x 0.00859; 1000 Genomes Project 0.00919; TOPMed 0.01482; gnomAD 0.01684 and 0.01764; gnomAD exomes 0.01815.
gnomAD v4.1: 4,045 of 231,532 alleles (1.7%); highest among the groups gnomAD compares: Non-Finnish European, 2.5%; 50 homozygotes.

Submissions (5):

GeneDx
Classification: Likely benign. Last evaluated: 2021-05-22. Review status: criteria provided, single submitter. Criteria: GeneDx Variant Classification Process June 2021. Collection method: clinical testing. Allele origin: germline. Affected: yes.

Illumina Laboratory Services, Illumina
Classification: Likely benign for Hyperparathyroidism 1. Last evaluated: 2018-01-13. Review status: criteria provided, single submitter. Criteria: ICSL Variant Classification Criteria 13 December 2019. Collection method: clinical testing. Allele origin: germline.
Comment: This variant was observed in the ICSL laboratory as part of a predisposition screen in an ostensibly healthy population. It had not been previously curated by ICSL or reported in the Human Gene Mutation Database (HGMD: prior to June 1st, 2018), and was therefore a candidate for classification through an automated scoring system. Utilizing variant allele frequency, disease prevalence and penetrance estimates, and inheritance mode, an automated score was calculated to assess if this variant is too frequent to cause the disease. Based on the score and internal cut-off values, a variant classified as likely benign is not then subjected to further curation. The score for this variant resulted in a classification of likely benign for this disease.

Illumina Laboratory Services, Illumina
Classification: Benign for Hyperparathyroidism 2 with jaw tumors. Last evaluated: 2018-01-13. Review status: criteria provided, single submitter. Criteria: ICSL Variant Classification Criteria 13 December 2019. Collection method: clinical testing. Allele origin: germline.
Comment: This variant was observed in the ICSL laboratory as part of a predisposition screen in an ostensibly healthy population. It had not been previously curated by ICSL or reported in the Human Gene Mutation Database (HGMD: prior to June 1st, 2018), and was therefore a candidate for classification through an automated scoring system. Utilizing variant allele frequency, disease prevalence and penetrance estimates, and inheritance mode, an automated score was calculated to assess if this variant is too frequent to cause the disease. Based on the score and internal cut-off values, a variant classified as benign is not then subjected to further curation. The score for this variant resulted in a classification of benign for this disease.

Illumina Laboratory Services, Illumina
Classification: Benign for Parathyroid carcinoma. Last evaluated: 2018-01-13. Review status: criteria provided, single submitter. Criteria: ICSL Variant Classification Criteria 13 December 2019. Collection method: clinical testing. Allele origin: germline.
Comment: the same text as in the submission from Illumina Laboratory Services, Illumina above.

Breakthrough Genomics
Classification: Likely benign. Review status: criteria provided, single submitter. Criteria: ACMG Guidelines, 2015. Collection method: not provided. Allele origin: germline. Inheritance: Autosomal dominant inheritance. Affected: yes.